The following is an entry in ClinVar:

NM_018896.5(CACNA1G):c.2177T>G (p.Leu726Arg)

Gene: CACNA1G (calcium voltage-gated channel subunit alpha1 G; plus strand). Cytogenetic location: 17q21.33.
Variant type: single nucleotide variant.
Coding change: c.2177T>G on transcript NM_018896.5 (MANE Select); coding-DNA position 2177, T replaced by G.
Protein change: p.Leu726Arg; replaces leucine 726 with arginine.
Molecular consequence: missense variant. On other transcripts: non-coding transcript variant (5).
Genome position (GRCh38, 1-based): chr17:50,578,440, T>G. VCF-style: chr17-50578440-T-G. GRCh37 (hg19) VCF-style: chr17-48655801-T-G.
Other names: c.2177T>G, p.Leu726Arg (NM_001256324.2, NM_001256325.2, NM_001256326.2 and 24 more transcripts); short protein forms L726R.
Identifiers: ClinVar variation 4527133 (VCV004527133.1).
Genomic context (GRCh38, chr17:50,578,440, plus strand): 5'-GGGACCCCCACAGCCGGCGGCAACGGAGCCTGGGCCCAGATGCAGAGCCCAGCTCTGTGC[T>G]GGCCTTCTGGAGGCTAATCTGTGACACCTTCCGAAAGATTGTGGACAGCAAGTACTTTGG-3'
Protein context (NP_061496.2, residues 716-736): LGPDAEPSSV[Leu726Arg]AFWRLICDTF

ClinVar aggregate classification (germline): Uncertain significance (1 of 4 stars; one submission).

Submission:

GeneDx
Classification: Uncertain significance. Last evaluated: 2025-04-24. Review status: criteria provided, single submitter. Criteria: GeneDx Variant Classification Process June 2021. Collection method: clinical testing. Allele origin: germline. Affected: yes.
Comment: Not observed at significant frequency in large population cohorts (gnomAD); In silico analysis indicates that this missense variant does not alter protein structure/function; Has not been previously published as pathogenic or benign to our knowledge